The following is an entry in ClinVar:

NC_000004.11:g.(?_128864934)_(128868356_?)del

Gene: MFSD8 (major facilitator superfamily domain containing 8; minus strand). Cytogenetic location: 4q28.2.
Variant type: Deletion.
Identifiers: ClinVar variation 3246661 (VCV003246661.1).

ClinVar aggregate classification (germline): Likely pathogenic (1 of 4 stars; one submission).

Conditions:
Neuronal ceroid lipofuscinosis 7 (CLN7). Also called: MFSD8-Related Neuronal Ceroid-Lipofuscinosis. Identifiers: Orphanet 168491, Orphanet 228366, MedGen C1838571, MONDO:0012588, OMIM 610951.

Submission:

Labcorp Genetics (formerly Invitae), Labcorp
Classification: Likely pathogenic for Neuronal ceroid lipofuscinosis 7. Last evaluated: 2023-11-20. Review status: criteria provided, single submitter. Criteria: Invitae Variant Classification Sherloc (09022015). Collection method: clinical testing. Allele origin: unknown.
Comment: This variant results in the deletion of part of exon 5 (c.198+2603_412del) of the MFSD8 gene. It is expected to disrupt RNA splicing. Variants that disrupt the donor or acceptor splice site typically lead to a loss of protein function (PMID: 16199547), and loss-of-function variants in MFSD8 are known to be pathogenic (PMID: 19177532, 25227500, 28586915). This variant has not been reported in the literature in individuals affected with MFSD8-related conditions. In summary, the currently available evidence indicates that the variant is pathogenic, but additional data are needed to prove that conclusively. Therefore, this variant has been classified as Likely Pathogenic.

Literature cited by the submitters: PubMed 16199547; PubMed 19177532; PubMed 25227500; PubMed 28586915.